The following is an entry in ClinVar:

NM_015450.3(POT1):c.272A>C (p.Lys91Thr)

Gene: POT1 (protection of telomeres 1; minus strand). Cytogenetic location: 7q31.33.
Variant type: single nucleotide variant.
Coding change: c.272A>C on transcript NM_015450.3 (MANE Select); coding-DNA position 272, A replaced by C.
Protein change: p.Lys91Thr; replaces lysine 91 with threonine.
Molecular consequence: missense variant. On other transcripts: 5 prime UTR variant (1), non-coding transcript variant (3).
Genome position (GRCh38, 1-based): chr7:124,863,624, T>G on the plus strand (A>C on the coding strand, the complement: POT1 is on the minus strand). VCF-style: chr7-124863624-T-G. GRCh37 (hg19) VCF-style: chr7-124503678-T-G.
Other names: c.-122A>C (NM_001042594.2); short protein forms K91T.
Identifiers: ClinVar variation 475078 (VCV000475078.9), dbSNP rs1283293522, ClinGen allele CA369060505.
Genomic context (GRCh38, chr7:124,863,624, plus strand): 5'-CCCAAAGTTCCCTCAAACGTCAAAGATGCAAAGCCAGAGCTGGTGATACCCTGAGTCTCC[T>G]TTTTATATACTTGAATCTAAGAAAGTAGGGCAAAGTAGAAAACAGATACAAATAAAATAG-3'
Protein context (NP_056265.2, residues 81-101): FHRLKIQVYK[Lys91Thr]ETQGITSSGF

ClinVar aggregate classification (germline): Uncertain significance (1 of 4 stars; one submission).

Conditions:
Tumor predisposition syndrome 3 (TPDS3). Also called: Glioma susceptibility 9; LONG TELOMERE SYNDROME, POT1-RELATED; POT1 Tumor Predisposition; Melanoma, cutaneous malignant, susceptibility to, 10. Identifiers: Orphanet 618, MedGen C4014476, MONDO:0014368, OMIM 615848.

Submission:

Labcorp Genetics (formerly Invitae), Labcorp
Classification: Uncertain significance for Tumor predisposition syndrome 3. Last evaluated: 2022-03-13. Review status: criteria provided, single submitter. Criteria: Invitae Variant Classification Sherloc (09022015). Collection method: clinical testing. Allele origin: germline.
Comment: This variant has not been reported in the literature in individuals affected with POT1-related conditions. This variant is not present in population databases (gnomAD no frequency). This sequence change replaces lysine, which is basic and polar, with threonine, which is neutral and polar, at codon 91 of the POT1 protein (p.Lys91Thr). In summary, the available evidence is currently insufficient to determine the role of this variant in disease. Therefore, it has been classified as a Variant of Uncertain Significance. Algorithms developed to predict the effect of missense changes on protein structure and function (SIFT, PolyPhen-2, Align-GVGD) all suggest that this variant is likely to be tolerated. ClinVar contains an entry for this variant (Variation ID: 475078).